The following is an entry in ClinVar:

ClinVar aggregate classification (germline): Benign. Review status: criteria provided, multiple submitters, no conflicts (2 of 4 stars). 4 submissions from 4 submitters: Benign (4). Last evaluated 2026-02-04.

Conditions:
Neuronopathy, distal hereditary motor, autosomal recessive 4. Also called: Autosomal recessive lower motor neuron disease with childhood onset; NEUROPATHY, DISTAL HEREDITARY MOTOR, AUTOSOMAL RECESSIVE 4. Identifiers: Orphanet 206580, MedGen C1970211, MONDO:0012608, OMIM 611067.
Charcot-Marie-Tooth disease recessive intermediate C. Also called: CHARCOT-MARIE-TOOTH NEUROPATHY, RECESSIVE INTERMEDIATE C. Identifiers: Orphanet 369867, MedGen C3809309, MONDO:0014154, OMIM 615376.

Allele frequency attached by ClinVar (database versions not stated): gnomAD exomes 0.00735 and 0.01916; ExAC 0.02357; gnomAD 0.06551 and 0.07001; 1000 Genomes Project 0.07129; ESP Exome Variant Server 0.07329; TOPMed 0.07329; 1000 Genomes Project 30x 0.07761.
gnomAD v4.1: 21,075 of 1,609,430 alleles (1.3%); highest among the groups gnomAD compares: African/African-American, 22%; 1,909 homozygotes.

Submissions (4):

Labcorp Genetics (formerly Invitae), Labcorp
Classification: Benign for Neuronopathy, distal hereditary motor, autosomal recessive 4; Charcot-Marie-Tooth disease recessive intermediate C. Last evaluated: 2026-02-04. Review status: criteria provided, single submitter. Criteria: Invitae Variant Classification Sherloc (09022015). Collection method: clinical testing. Allele origin: germline.

Illumina Laboratory Services, Illumina
Classification: Benign for Neuronopathy, distal hereditary motor, autosomal recessive 4. Last evaluated: 2018-01-13. Review status: criteria provided, single submitter. Criteria: ICSL Variant Classification Criteria 13 December 2019. Collection method: clinical testing. Allele origin: germline.
Comment: This variant was observed in the ICSL laboratory as part of a predisposition screen in an ostensibly healthy population. It had not been previously curated by ICSL or reported in the Human Gene Mutation Database (HGMD: prior to June 1st, 2018), and was therefore a candidate for classification through an automated scoring system. Utilizing variant allele frequency, disease prevalence and penetrance estimates, and inheritance mode, an automated score was calculated to assess if this variant is too frequent to cause the disease. Based on the score and internal cut-off values, a variant classified as benign is not then subjected to further curation. The score for this variant resulted in a classification of benign for this disease.

GeneDx
Classification: Benign. Last evaluated: 2015-03-03. Review status: criteria provided, single submitter. Criteria: GeneDx Variant Classification Process June 2021. Collection method: clinical testing. Allele origin: germline. Affected: yes.

Breakthrough Genomics
Classification: Benign. Review status: criteria provided, single submitter. Criteria: ACMG Guidelines, 2015. Collection method: not provided. Allele origin: germline. Inheritance: Autosomal recessive inheritance. Affected: yes.

NM_020631.6(PLEKHG5):c.43+13G>A

Genes: PLEKHG5 (pleckstrin homology and RhoGEF domain containing G5; minus strand), LOC126805598 (MED14-independent group 3 enhancer GRCh37_chr1:6536823-6538022; plus strand). Cytogenetic location: 1p36.31.
Variant type: single nucleotide variant.
Coding change: c.43+13G>A on transcript NM_020631.6 (MANE Select); 13 bases into the intron after coding-DNA position 43, G replaced by A.
Molecular consequence: intron variant.
Genome position (GRCh38, 1-based): chr1:6,477,516, C>T on the plus strand (G>A on the coding strand, the complement: PLEKHG5 is on the minus strand). VCF-style: chr1-6477516-C-T. GRCh37 (hg19) VCF-style: chr1-6537576-C-T.
Other names: c.43+13G>A (NM_198681.4, NM_001265594.3, NM_001042664.2 and 1 more transcripts); c.154+13G>A (NM_001042663.3, NM_001265592.2); c.250+13G>A (NM_001265593.2).
Identifiers: ClinVar variation 297977 (VCV000297977.15), dbSNP rs78593902, ClinGen allele CA562033.